The following is an entry in ClinVar:

ClinVar aggregate classification (germline): Uncertain significance (1 of 4 stars; one submission).

Conditions:
Inborn genetic diseases. Identifiers: MedGen C0950123, MeSH D030342.

Submission:

Ambry Genetics
Classification: Uncertain significance for Inborn genetic diseases. Last evaluated: 2025-05-31. Review status: criteria provided, single submitter. Criteria: Ambry Variant Classification Scheme 2023. Collection method: clinical testing. Allele origin: germline.
Comment: The p.P366H variant (also known as c.1097C>A), located in coding exon 5 of the PIK3CA gene, results from a C to A substitution at nucleotide position 1097. The proline at codon 366 is replaced by histidine, an amino acid with similar properties. This amino acid position is conserved. In addition, the in silico prediction for this alteration is inconclusive. Based on the available evidence, the clinical significance of this variant remains unclear.

NM_006218.4(PIK3CA):c.1097C>A (p.Pro366His)

Gene: PIK3CA (phosphatidylinositol-4,5-bisphosphate 3-kinase catalytic subunit alpha; plus strand). Cytogenetic location: 3q26.32.
Variant type: single nucleotide variant.
Coding change: c.1097C>A on transcript NM_006218.4 (MANE Select); coding-DNA position 1097, C replaced by A.
Protein change: p.Pro366His; replaces proline 366 with histidine.
Molecular consequence: missense variant.
Genome position (GRCh38, 1-based): chr3:179,204,540, C>A. VCF-style: chr3-179204540-C-A. GRCh37 (hg19) VCF-style: chr3-178922328-C-A.
Other names: short protein forms P366H.
Identifiers: ClinVar variation 3932378 (VCV003932378.1).